The following is an entry in ClinVar:

NM_020631.6(PLEKHG5):c.64G>A (p.Val22Met)

Gene: PLEKHG5 (pleckstrin homology and RhoGEF domain containing G5; minus strand). Cytogenetic location: 1p36.31.
Variant type: single nucleotide variant.
Coding change: c.64G>A on transcript NM_020631.6 (MANE Select); coding-DNA position 64, G replaced by A.
Protein change: p.Val22Met; replaces valine 22 with methionine.
Molecular consequence: missense variant.
Genome position (GRCh38, 1-based): chr1:6,476,016, C>T on the plus strand (G>A on the coding strand, the complement: PLEKHG5 is on the minus strand). VCF-style: chr1-6476016-C-T. GRCh37 (hg19) VCF-style: chr1-6536076-C-T.
Other names: c.175G>A, p.Val59Met (NM_001042663.3, NM_001265592.2); c.64G>A, p.Val22Met (NM_001042664.2, NM_001042665.2, NM_001265594.3 and 1 more transcripts); c.271G>A, p.Val91Met (NM_001265593.2); short protein forms V22M, V91M, V59M.
Identifiers: ClinVar variation 281659 (VCV000281659.23), dbSNP rs112530241, ClinGen allele CA562003.

ClinVar aggregate classification (germline): Conflicting classifications of pathogenicity. Review status: criteria provided, conflicting classifications (1 of 4 stars). 6 submissions from 6 submitters: Uncertain significance (1); Likely benign (5). Last evaluated 2026-01-28.

Conditions:
PLEKHG5-related disorder. Also called: PLEKHG5-related condition.
Inborn genetic diseases. Identifiers: MedGen C0950123, MeSH D030342.
Neuronopathy, distal hereditary motor, autosomal recessive 4. Also called: NEUROPATHY, DISTAL HEREDITARY MOTOR, AUTOSOMAL RECESSIVE 4; Autosomal recessive lower motor neuron disease with childhood onset. Identifiers: Orphanet 206580, MedGen C1970211, MONDO:0012608, OMIM 611067.
Charcot-Marie-Tooth disease recessive intermediate C. Also called: CHARCOT-MARIE-TOOTH NEUROPATHY, RECESSIVE INTERMEDIATE C. Identifiers: Orphanet 369867, MedGen C3809309, MONDO:0014154, OMIM 615376.

Allele frequency attached by ClinVar (database versions not stated): gnomAD exomes 0.00016 and 0.00044; ExAC 0.00062; 1000 Genomes Project 30x 0.00094; 1000 Genomes Project 0.00100; TOPMed 0.00163; gnomAD 0.00165 and 0.00171; ESP Exome Variant Server 0.00254.
gnomAD v4.1: 518 of 1,613,476 alleles (0.032%); highest among the groups gnomAD compares: African/African-American, 0.55%; 2 homozygotes.

Submissions (6):

Labcorp Genetics (formerly Invitae), Labcorp
Classification: Likely benign for Neuronopathy, distal hereditary motor, autosomal recessive 4; Charcot-Marie-Tooth disease recessive intermediate C. Last evaluated: 2026-01-28. Review status: criteria provided, single submitter. Criteria: Invitae Variant Classification Sherloc (09022015). Collection method: clinical testing. Allele origin: germline.

PreventionGenetics, part of Exact Sciences
Classification: Likely benign for PLEKHG5-related condition. Last evaluated: 2025-05-09. Review status: criteria provided, single submitter. Criteria: ACMG Guidelines, 2015. Collection method: clinical testing. Allele origin: germline.
Comment: This variant is classified as likely benign based on ACMG/AMP sequence variant interpretation guidelines (Richards et al. 2015 PMID: 25741868, with internal and published modifications).

GeneDx
Classification: Likely benign. Last evaluated: 2020-05-11. Review status: criteria provided, single submitter. Criteria: GeneDx Variant Classification Process June 2021. Collection method: clinical testing. Allele origin: germline. Affected: yes.

Ambry Genetics
Classification: Likely benign for Inborn genetic diseases. Last evaluated: 2019-09-28. Review status: criteria provided, single submitter. Criteria: Ambry Variant Classification Scheme 2023. Collection method: clinical testing. Allele origin: germline.

Illumina Laboratory Services, Illumina
Classification: Uncertain significance for Neuronopathy, distal hereditary motor, autosomal recessive 4. Last evaluated: 2017-04-28. Review status: criteria provided, single submitter. Criteria: ICSL Variant Classification Criteria 13 December 2019. Collection method: clinical testing. Allele origin: germline.

Eurofins Ntd Llc (ga)
Classification: Likely benign. Last evaluated: 2015-06-25. Review status: criteria provided, single submitter. Criteria: EGL Classification Definitions 2015. Collection method: clinical testing. Allele origin: germline. Observed: 1 variant allele, 1 heterozygote.